The following is an entry in ClinVar:

ClinVar aggregate classification (germline): Likely pathogenic (1 of 4 stars; one submission).

Conditions:
Waardenburg syndrome type 1 (WS1). Also called: WAARDENBURG SYNDROME WITH DYSTOPIA CANTHORUM; Waardenburg Syndrome Type I. Identifiers: Orphanet 894, MedGen C1847800, MONDO:0008670, OMIM 193500.

Submission:

Institute of Rare Diseases, West China Hospital, Sichuan University
Classification: Likely pathogenic for Waardenburg syndrome type 1. Last evaluated: 2025-01-09. Review status: criteria provided, single submitter. Criteria: ClinGen HL ACMG Specifications v1. Collection method: research. Allele origin: germline. Affected: yes.
Comment: PVS1;PM2_Supporting

NM_181458.4(PAX3):c.643_646del (p.Leu215fs)

Gene: PAX3 (paired box 3; minus strand). Cytogenetic location: 2q36.1.
Variant type: Deletion.
Coding change: c.643_646del on transcript NM_181458.4 (MANE Select); coding-DNA positions 643 to 646, 4 bases deleted (CTAA; older notation c.643_646delCTAA).
Protein change: p.Leu215fs; shifts the reading frame from leucine 215.
Molecular consequence: frameshift variant.
Genome position (GRCh38, 1-based): chr2:222,232,224-222,232,227, TTAG deleted on the plus strand (CTAA on the coding strand, the reverse complement: PAX3 is on the minus strand); deleting any 4 consecutive bases within chr2:222,232,224-222,232,228 gives the same sequence; the c. name uses the placement nearest the transcript's 3' end. VCF-style (leftmost placement, unchanged base first): chr2-222232223-TTTAG-T. GRCh37 (hg19) VCF-style: chr2-223096942-TTTAG-T.
Other names: c.640_643del, p.Leu214fs (NM_001127366.3); c.643_646del, p.Leu215fs (NM_181457.4, NM_181459.4, NM_181460.4 and 1 more transcripts); short protein forms L214fs, L215fs.
Identifiers: ClinVar variation 3601586 (VCV003601586.1).
Genomic context (GRCh38, chr2:222,232,223, plus strand): 5'-CGCTCCAGTTCCTCCAGCTGTTCTGCTGTGAAGGTGGTTCGGCTTCTGCGCTGTTTCCTC[TTTAG>T]TGGTAAATCTGGTTCAGAGTCAATATCAGAGCCTTCATCTGATTGGGGTGCTGAGGCTAA-3'